The following is an entry in ClinVar:

ClinVar aggregate classification (germline): Likely benign (1 of 4 stars; one submission).

Conditions:
Malignant hyperthermia, susceptibility to, 1 (MHS1). Also called: Anesthesia related hyperthermia; Malignant hyperpyrexia; Fulminating hyperpyrexia; Pharmacogenic myopathy; Malignant hyperthermia suceptibility 1; RYR1-Related Malignant Hyperthermia Susceptibility. Identifiers: Orphanet 423, MedGen C2930980, MONDO:0007783, OMIM 145600.

Submission:

All of Us Research Program, National Institutes of Health
Classification: Likely benign for Malignant hyperthermia, susceptibility to, 1. Last evaluated: 2024-03-24. Review status: criteria provided, single submitter. Criteria: ACMG Guidelines, 2015. Collection method: clinical testing. Allele origin: germline. Inheritance: Autosomal dominant inheritance. Observed: 1 variant allele, 1 heterozygote.
Comment: This study involves interpretation of variants in research participants for the purpose of population health screening. Participant phenotype was not available at the time of variant classification. Additional details can be found in publication PMID: 35346344, PMCID: PMC8962531

NM_000540.3(RYR1):c.14541G>C (p.Val4847=)

Gene: RYR1 (ryanodine receptor 1; plus strand). Cytogenetic location: 19q13.2.
Variant type: single nucleotide variant.
Coding change: c.14541G>C on transcript NM_000540.3 (MANE Select); coding-DNA position 14541, G replaced by C.
Protein change: p.Val4847=; no amino-acid change (valine 4847 retained).
Molecular consequence: synonymous variant.
Genome position (GRCh38, 1-based): chr19:38,580,399, G>C. VCF-style: chr19-38580399-G-C. GRCh37 (hg19) VCF-style: chr19-39071039-G-C.
Other names: c.14526G>C, p.Val4842= (NM_001042723.2).
Identifiers: ClinVar variation 3385626 (VCV003385626.1).